The following is an entry in ClinVar:

NM_000158.4(GBE1):c.827del (p.Ala276fs)

Gene: GBE1 (1,4-alpha-glucan branching enzyme 1; minus strand). Cytogenetic location: 3p12.2.
Variant type: Deletion.
Coding change: c.827del on transcript NM_000158.4 (MANE Select); coding-DNA position 827, one base deleted (C; older notation c.827delC).
Protein change: p.Ala276fs; shifts the reading frame from alanine 276.
Molecular consequence: frameshift variant.
Genome position (GRCh38, 1-based): chr3:81,642,946, G deleted on the plus strand (C on the coding strand, the reverse complement: GBE1 is on the minus strand). VCF-style (leftmost placement, unchanged base first): chr3-81642945-AG-A. GRCh37 (hg19) VCF-style: chr3-81692096-AG-A.
Other names: short protein forms A276fs.
Identifiers: ClinVar variation 5015150 (VCV005015150.1).

ClinVar aggregate classification (germline): Pathogenic (1 of 4 stars; one submission).

Conditions:
Glycogen storage disease, type IV (GSD4). Also called: AMYLOPECTINOSIS; ANDERSEN DISEASE; BRANCHER DEFICIENCY; CIRRHOSIS, FAMILIAL, WITH DEPOSITION OF ABNORMAL GLYCOGEN; GBE1 DEFICIENCY; GLYCOGEN BRANCHING ENZYME DEFICIENCY. Identifiers: Orphanet 367, MedGen C0017923, MONDO:0009292, OMIM 232500.

Submission:

Myriad Genetics, Inc.
Classification: Pathogenic for Glycogen storage disease, type IV. Last evaluated: 2025-10-28. Review status: criteria provided, single submitter. Criteria: Myriad Autosomal Dominant, Autosomal Recessive and X-Linked Classification Criteria (2023). Collection method: clinical testing. Allele origin: unknown.
Comment: NM_000158.3(GBE1):c.827delC(A276Vfs*7) is expected to be pathogenic in the context of glycogen storage disease, GBE1-related. This variant is predicted to lead to an abnormal or absent protein product due to the creation of a premature termination codon in GBE1, a gene where loss-of-function variants are known to be pathogenic. Please note: this variant was assessed in the context of healthy population screening.